The following is an entry in ClinVar:

NM_019032.6(ADAMTSL4):c.3122C>T (p.Pro1041Leu)

Gene: ADAMTSL4 (ADAMTS like 4; plus strand). Cytogenetic location: 1q21.2.
Variant type: single nucleotide variant.
Coding change: c.3122C>T on transcript NM_019032.6 (MANE Select); coding-DNA position 3122, C replaced by T.
Protein change: p.Pro1041Leu; replaces proline 1041 with leucine.
Molecular consequence: missense variant.
Genome position (GRCh38, 1-based): chr1:150,560,093, C>T. VCF-style: chr1-150560093-C-T. GRCh37 (hg19) VCF-style: chr1-150532569-C-T.
Other names: c.3005C>T, p.Pro1002Leu (NM_001288607.2); c.3191C>T, p.Pro1064Leu (NM_001288608.2); c.3122C>T, p.Pro1041Leu (NM_001378596.1); short protein forms P1002L, P1041L, P1064L.
Identifiers: ClinVar variation 1981844 (VCV001981844.3), dbSNP rs751959332, ClinGen allele CA1078960.

ClinVar aggregate classification (germline): Uncertain significance (1 of 4 stars; one submission).

Allele frequency attached by ClinVar (database versions not stated): gnomAD exomes below 0.00001; ExAC 0.00001; gnomAD 0.00001.

Submission:

Labcorp Genetics (formerly Invitae), Labcorp
Classification: Uncertain significance. Last evaluated: 2023-12-07. Review status: criteria provided, single submitter. Criteria: Invitae Variant Classification Sherloc (09022015). Collection method: clinical testing. Allele origin: germline.
Comment: This sequence change replaces proline, which is neutral and non-polar, with leucine, which is neutral and non-polar, at codon 1041 of the ADAMTSL4 protein (p.Pro1041Leu). This variant is present in population databases (rs751959332, gnomAD 0.006%). This variant has not been reported in the literature in individuals affected with ADAMTSL4-related conditions. ClinVar contains an entry for this variant (Variation ID: 1981844). Advanced modeling of protein sequence and biophysical properties (such as structural, functional, and spatial information, amino acid conservation, physicochemical variation, residue mobility, and thermodynamic stability) performed at Invitae indicates that this missense variant is not expected to disrupt ADAMTSL4 protein function with a negative predictive value of 80%. In summary, the available evidence is currently insufficient to determine the role of this variant in disease. Therefore, it has been classified as a Variant of Uncertain Significance.